The following is an entry in ClinVar:

NM_001205293.3(CACNA1E):c.6483C>T (p.Pro2161=)

Gene: CACNA1E (calcium voltage-gated channel subunit alpha1 E; plus strand). Cytogenetic location: 1q25.3.
Variant type: single nucleotide variant.
Coding change: c.6483C>T on transcript NM_001205293.3 (MANE Select); coding-DNA position 6483, C replaced by T.
Protein change: p.Pro2161=; no amino-acid change (proline 2161 retained).
Molecular consequence: synonymous variant.
Genome position (GRCh38, 1-based): chr1:181,798,375, C>T. VCF-style: chr1-181798375-C-T. GRCh37 (hg19) VCF-style: chr1-181767511-C-T.
Other names: c.6354C>T, p.Pro2118= (NM_000721.4); c.6297C>T, p.Pro2099= (NM_001205294.2).
Identifiers: ClinVar variation 786805 (VCV000786805.36), dbSNP rs370456526, ClinGen allele CA1276420.

ClinVar aggregate classification (germline): Likely benign. Review status: criteria provided, multiple submitters, no conflicts (2 of 4 stars). 6 submissions from 6 submitters: Likely benign (6). Last evaluated 2026-01-21.

Conditions:
Developmental and epileptic encephalopathy, 69. Also called: EPILEPTIC ENCEPHALOPATHY, EARLY INFANTILE, 69. Identifiers: MedGen C4748988, MONDO:0032657, OMIM 618285.

Allele frequency attached by ClinVar (database versions not stated): ESP Exome Variant Server 0.00016; TOPMed 0.00019; gnomAD 0.00022 and 0.00024.
gnomAD v4.1: 363 of 1,612,854 alleles (0.023%); highest among the groups gnomAD compares: Middle Eastern, 0.21%; 1 homozygote.

Submissions (6):

Labcorp Genetics (formerly Invitae), Labcorp
Classification: Likely benign. Last evaluated: 2026-01-21. Review status: criteria provided, single submitter. Criteria: Invitae Variant Classification Sherloc (09022015). Collection method: clinical testing. Allele origin: germline.

Blueprint Genetics
Classification: Likely benign. Last evaluated: 2024-09-24. Review status: criteria provided, single submitter. Criteria: ACMG Guidelines, 2015. Collection method: clinical testing. Allele origin: germline.

Genome-Nilou Lab
Classification: Likely benign for Developmental and epileptic encephalopathy, 69. Last evaluated: 2023-04-11. Review status: criteria provided, single submitter. Criteria: ACMG Guidelines, 2015. Collection method: clinical testing. Allele origin: germline. Affected: no.

CeGaT Center for Human Genetics Tuebingen
Classification: Likely benign. Last evaluated: 2022-12-01. Review status: criteria provided, single submitter. Criteria: CeGaT Center For Human Genetics Tuebingen Variant Classification Criteria Version 2. Collection method: clinical testing. Allele origin: germline. Affected: yes. Observed: 3 variant alleles.
Comment: CACNA1E: BP4, BP7

GeneDx
Classification: Likely benign. Last evaluated: 2021-05-23. Review status: criteria provided, single submitter. Criteria: GeneDx Variant Classification Process June 2021. Collection method: clinical testing. Allele origin: germline. Affected: yes.

Breakthrough Genomics
Classification: Likely benign. Review status: criteria provided, single submitter. Criteria: ACMG Guidelines, 2015. Collection method: not provided. Allele origin: germline. Inheritance: Autosomal dominant inheritance. Affected: yes.